The following is an entry in ClinVar:

ClinVar aggregate classification (germline): Uncertain significance (1 of 4 stars; one submission).

Conditions:
Familial encephalopathy with neuroserpin inclusion bodies. Also called: ENCEPHALOPATHY, FAMILIAL, WITH COLLINS BODIES. Identifiers: Orphanet 85110, MedGen C1858680, MONDO:0011412, OMIM 604218.

Submission:

Labcorp Genetics (formerly Invitae), Labcorp
Classification: Uncertain significance for Familial encephalopathy with neuroserpin inclusion bodies. Last evaluated: 2024-08-12. Review status: criteria provided, single submitter. Criteria: Invitae Variant Classification Sherloc (09022015). Collection method: clinical testing. Allele origin: germline.
Comment: This sequence change replaces glycine, which is neutral and non-polar, with glutamic acid, which is acidic and polar, at codon 117 of the SERPINI1 protein (p.Gly117Glu). This variant is not present in population databases (gnomAD no frequency). This variant has not been reported in the literature in individuals affected with SERPINI1-related conditions. ClinVar contains an entry for this variant (Variation ID: 1039743). Advanced modeling of protein sequence and biophysical properties (such as structural, functional, and spatial information, amino acid conservation, physicochemical variation, residue mobility, and thermodynamic stability) performed at Invitae indicates that this missense variant is not expected to disrupt SERPINI1 protein function with a negative predictive value of 80%. In summary, the available evidence is currently insufficient to determine the role of this variant in disease. Therefore, it has been classified as a Variant of Uncertain Significance.

NM_001122752.2(SERPINI1):c.350G>A (p.Gly117Glu)

Gene: SERPINI1 (serpin family I member 1; plus strand). Cytogenetic location: 3q26.1.
Variant type: single nucleotide variant.
Coding change: c.350G>A on transcript NM_001122752.2 (MANE Select); coding-DNA position 350, G replaced by A.
Protein change: p.Gly117Glu; replaces glycine 117 with glutamic acid.
Molecular consequence: missense variant.
Genome position (GRCh38, 1-based): chr3:167,790,471, G>A. VCF-style: chr3-167790471-G-A. GRCh37 (hg19) VCF-style: chr3-167508259-G-A.
Other names: c.350G>A, p.Gly117Glu (NM_005025.5); short protein forms G117E.
Identifiers: ClinVar variation 1039743 (VCV001039743.8), dbSNP rs1727467568, ClinGen allele CA355156104.